The following is an entry in ClinVar:

NM_001271938.2(MEGF8):c.5023C>T (p.His1675Tyr)

Gene: MEGF8 (multiple EGF like domains 8; plus strand). Cytogenetic location: 19q13.2.
Variant type: single nucleotide variant.
Coding change: c.5023C>T on transcript NM_001271938.2 (MANE Select); coding-DNA position 5023, C replaced by T.
Protein change: p.His1675Tyr; replaces histidine 1675 with tyrosine.
Molecular consequence: missense variant.
Genome position (GRCh38, 1-based): chr19:42,358,155, C>T. VCF-style: chr19-42358155-C-T. GRCh37 (hg19) VCF-style: chr19-42862307-C-T.
Other names: c.4822C>T, p.His1608Tyr (NM_001410.3); short protein forms H1608Y, H1675Y.
Identifiers: ClinVar variation 1030394 (VCV001030394.1), dbSNP rs2039479348, ClinGen allele CA406121663.

ClinVar aggregate classification (germline): Uncertain significance (1 of 4 stars; one submission).

Conditions:
MEGF8-related Carpenter syndrome. Also called: Carpenter syndrome 2. Identifiers: Orphanet 65759, MedGen C3554247, MONDO:0013998, OMIM 614976.

Submission:

Baylor Genetics
Classification: Uncertain significance for MEGF8-related Carpenter syndrome. Last evaluated: 2019-11-18. Review status: criteria provided, single submitter. Criteria: ACMG Guidelines, 2015. Collection method: clinical testing. Allele origin: unknown. Affected: yes.
Comment: This variant was determined to be of uncertain significance according to ACMG Guidelines, 2015 [PMID:25741868].